The following is an entry in ClinVar:

NM_001367624.2(ZNF469):c.10456C>G (p.Pro3486Ala)

Gene: ZNF469 (zinc finger protein 469; plus strand). Cytogenetic location: 16q24.2.
Variant type: single nucleotide variant.
Coding change: c.10456C>G on transcript NM_001367624.2 (MANE Select); coding-DNA position 10456, C replaced by G.
Protein change: p.Pro3486Ala; replaces proline 3486 with alanine.
Molecular consequence: missense variant.
Genome position (GRCh38, 1-based): chr16:88,437,926, C>G. VCF-style: chr16-88437926-C-G. GRCh37 (hg19) VCF-style: chr16-88504334-C-G.
Other names: short protein forms P3486A.
Identifiers: ClinVar variation 1396750 (VCV001396750.4), dbSNP rs1013299711, ClinGen allele CA286386731.

ClinVar aggregate classification (germline): Uncertain significance. Review status: criteria provided, multiple submitters, no conflicts (2 of 4 stars). 2 submissions from 2 submitters: Uncertain significance (2). Last evaluated 2025-11-24.

Allele frequency attached by ClinVar (database versions not stated): gnomAD exomes below 0.00001 and 0.00001; TOPMed below 0.00001.
gnomAD v4.1: 4 of 1,540,206 alleles (0.00026%); highest among the groups gnomAD compares: African/African-American, 0.0014%; no homozygotes.

Submissions (2):

Women's Health and Genetics/Laboratory Corporation of America, LabCorp
Classification: Uncertain significance. Last evaluated: 2025-11-24. Review status: criteria provided, single submitter. Criteria: LabCorp Variant Classification Summary - May 2015. Collection method: clinical testing. Allele origin: germline.
Comment: Variant summary: ZNF469 c.10456C>G (p.Pro3486Ala) results in a non-conservative amino acid change in the encoded protein sequence. Algorithms developed to predict the effect of missense changes on protein structure and function are either unavailable or do not agree on the potential impact of this missense change. The variant allele was found at a frequency of 7e-06 in 142390 control chromosomes. The available data on variant occurrences in the general population are insufficient to allow any conclusion about variant significance. To our knowledge, no occurrence of c.10456C>G in individuals affected with ZNF469-related conditions and no experimental evidence demonstrating its impact on protein function have been reported. ClinVar contains an entry for this variant (Variation ID: 1396750). Based on the evidence outlined above, the variant was classified as uncertain significance.

Labcorp Genetics (formerly Invitae), Labcorp
Classification: Uncertain significance. Last evaluated: 2022-02-18. Review status: criteria provided, single submitter. Criteria: Invitae Variant Classification Sherloc (09022015). Collection method: clinical testing. Allele origin: germline.
Comment: This sequence change replaces proline, which is neutral and non-polar, with alanine, which is neutral and non-polar, at codon 3458 of the ZNF469 protein (p.Pro3458Ala). This variant is not present in population databases (gnomAD no frequency). This variant has not been reported in the literature in individuals affected with ZNF469-related conditions. Algorithms developed to predict the effect of missense changes on protein structure and function (SIFT, PolyPhen-2, Align-GVGD) all suggest that this variant is likely to be tolerated. In summary, the available evidence is currently insufficient to determine the role of this variant in disease. Therefore, it has been classified as a Variant of Uncertain Significance.